The following is an entry in ClinVar:

NM_000321.3(RB1):c.539+1G>C

Gene: RB1 (RB transcriptional corepressor 1; plus strand). Cytogenetic location: 13q14.2.
Variant type: single nucleotide variant.
Coding change: c.539+1G>C on transcript NM_000321.3 (MANE Select); the canonical splice donor site of the intron after coding-DNA position 539, G replaced by C.
Molecular consequence: splice donor variant.
Genome position (GRCh38, 1-based): chr13:48,347,864, G>C. VCF-style: chr13-48347864-G-C. GRCh37 (hg19) VCF-style: chr13-48922000-G-C.
Other names: c.539+1G>C (NM_000321.2, NM_001407165.1, NM_001407166.1).
Identifiers: ClinVar variation 2188390 (VCV002188390.5), dbSNP rs1566187856, ClinGen allele CA388156867.
Genomic context (GRCh38, chr13:48,347,864, plus strand): 5'-TCATAATGTTTTTCTTTTCAGGACATGTGAACTTATATATTTGACACAACCCAGCAGTTC[G>C]TAAGTAGTTCACAGAATGTTATTTTTCACTTAAAAAAAAAGATTTTTATGGAATAATCTC-3'

ClinVar aggregate classification (germline): Conflicting classifications of pathogenicity. Review status: criteria provided, conflicting classifications (1 of 4 stars). 2 submissions from 2 submitters: Likely pathogenic (1); Uncertain significance (1). Last evaluated 2025-04-14.

Conditions:
Retinoblastoma (RB1). Also called: RETINOBLASTOMA, SOMATIC. Identifiers: Orphanet 790, MedGen C0035335, MeSH D012175, MONDO:0008380, OMIM 180200, HP:0009919. Disease mechanism: loss of function. Inheritance: Both sporadic and heritable forms are tested..
Hereditary cancer-predisposing syndrome. Also called: Hereditary Cancer Syndrome; Tumor predisposition; Hereditary neoplastic syndrome; Neoplastic Syndromes, Hereditary. Identifiers: Orphanet 140162, MedGen C0027672, MeSH D009386, MONDO:0015356.

Submissions (2):

Labcorp Genetics (formerly Invitae), Labcorp
Classification: Likely pathogenic for Retinoblastoma. Last evaluated: 2025-04-14. Review status: criteria provided, single submitter. Criteria: Invitae Variant Classification Sherloc (09022015). Collection method: clinical testing. Allele origin: germline.
Comment: This sequence change affects a donor splice site in intron 5 of the RB1 gene. RNA analysis indicates that disruption of this splice site induces altered splicing and likely results in a shortened protein product. This variant is not present in population databases (gnomAD no frequency). Disruption of this splice site has been observed in individual(s) with retinoblastoma as well as in unaffected family members, suggesting this may be a low penetrance variant (PMID: 10991691, 21520333, 33493472). ClinVar contains an entry for this variant (Variation ID: 2188390). Studies have shown that disruption of this splice site results in skipping of exon 5, but is expected to preserve the integrity of the reading-frame (PMID: 10991691). In summary, the currently available evidence indicates that the variant is pathogenic, but additional data are needed to prove that conclusively. Therefore, this variant has been classified as Likely Pathogenic.

Ambry Genetics
Classification: Uncertain significance for Hereditary cancer-predisposing syndrome. Last evaluated: 2025-03-05. Review status: criteria provided, single submitter. Criteria: Ambry Variant Classification Scheme 2023. Collection method: clinical testing. Allele origin: germline.
Comment: The c.539+1G>C intronic variant results from a G to C substitution one nucleotide after coding exon 5 of the RB1 gene. This nucleotide position is highly conserved in available vertebrate species. In silico splice site analysis predicts that this alteration will weaken the native splice acceptor site. RNA studies have demonstrated that this alteration results in a transcript predicted to lead to a protein with an in-frame deletion of 13 amino acids. Another alteration impacting this same exon (c.539+1G>A) has been shown to have a similar impact on splicing and has been reported in patients with unilateral retinoblastoma and sarcoma (Ambry internal data; S&aacute;nchez F et al. J Med Genet, 2000 Aug;37:615-20; Chai P et al. Exp Eye Res, 2021 Apr;205:108456; Singh J et al. Mol Vis, 2016 Aug;22:1036-47; Personal communication). Since supporting evidence is limited at this time, the clinical significance of this alteration remains unclear.

Literature cited by the submitters: PubMed 10991691 (cited by Labcorp Genetics (formerly Invitae), Labcorp); PubMed 21520333 (cited by Labcorp Genetics (formerly Invitae), Labcorp); PubMed 33493472 (cited by Labcorp Genetics (formerly Invitae), Labcorp).